The following is an entry in ClinVar:

NM_020919.4(ALS2):c.3462G>T (p.Gln1154His)

Gene: ALS2 (alsin Rho guanine nucleotide exchange factor ALS2; minus strand). Cytogenetic location: 2q33.1.
Variant type: single nucleotide variant.
Coding change: c.3462G>T on transcript NM_020919.4 (MANE Select); coding-DNA position 3462, G replaced by T.
Protein change: p.Gln1154His; replaces glutamine 1154 with histidine.
Molecular consequence: missense variant.
Genome position (GRCh38, 1-based): chr2:201,724,345, C>A on the plus strand (G>T on the coding strand, the complement: ALS2 is on the minus strand). VCF-style: chr2-201724345-C-A. GRCh37 (hg19) VCF-style: chr2-202589068-C-A.
Other names: c.3462G>T, p.Gln1154His (NM_001410975.1); short protein forms Q1154H.
Identifiers: ClinVar variation 4983092 (VCV004983092.1).

ClinVar aggregate classification (germline): Uncertain significance (1 of 4 stars; one submission).

Conditions:
ALS2-related disorder. Also called: ALS2-Related Spectrum Disorders; ALS2-related disorders; ALS2-related condition. Identifiers: MedGen CN169291.

gnomAD v4.1: 7 of 1,613,886 alleles (0.00043%); highest among the groups gnomAD compares: Middle Eastern, 0.016%; 1 homozygote.

Submission:

PreventionGenetics, part of Exact Sciences
Classification: Uncertain significance for ALS2-related condition. Last evaluated: 2025-02-12. Review status: criteria provided, single submitter. Criteria: ACMG Guidelines, 2015. Collection method: clinical testing. Allele origin: germline.
Comment: The ALS2 c.3462G>T variant is predicted to result in the amino acid substitution p.Gln1154His. This variant was reported in an individual with Amyotrophic Lateral Sclerosis (Supplemental Table 1, Grassano et al. 2022. PubMed ID: 35896380). This variant is reported in 0.00088% of alleles in individuals of European (Non-Finnish) descent in gnomAD. Although we suspect that this variant may be pathogenic, at this time, the clinical significance of this variant is uncertain due to the absence of conclusive functional and genetic evidence.